The following is an entry in ClinVar:

ClinVar aggregate classification (germline): Likely benign. Review status: criteria provided, multiple submitters, no conflicts (2 of 4 stars). 3 submissions from 3 submitters: Likely benign (3). Last evaluated 2026-01-11.

Allele frequency attached by ClinVar (database versions not stated): gnomAD 0.00005 and 0.00006; TOPMed 0.00005; gnomAD exomes 0.00010 and 0.00012; 1000 Genomes Project 30x 0.00016; 1000 Genomes Project 0.00020; ExAC 0.00037.
gnomAD v4.1: 178 of 1,568,426 alleles (0.011%); highest among the groups gnomAD compares: Non-Finnish European, 0.014%; no homozygotes.

Submissions (3):

Labcorp Genetics (formerly Invitae), Labcorp
Classification: Likely benign. Last evaluated: 2026-01-11. Review status: criteria provided, single submitter. Criteria: Invitae Variant Classification Sherloc (09022015). Collection method: clinical testing. Allele origin: germline.

CeGaT Center for Human Genetics Tuebingen
Classification: Likely benign. Last evaluated: 2024-11-01. Review status: criteria provided, single submitter. Criteria: CeGaT Center For Human Genetics Tuebingen Variant Classification Criteria Version 2. Collection method: clinical testing. Allele origin: germline. Affected: yes. Observed: 1 variant allele.
Comment: LTBP4: BP4, BP7

GeneDx
Classification: Likely benign. Last evaluated: 2019-11-06. Review status: criteria provided, single submitter. Criteria: GeneDx Variant Classification Process June 2021. Collection method: clinical testing. Allele origin: germline. Affected: yes.

NM_001042545.2(LTBP4):c.4461C>T (p.Gly1487=)

Gene: LTBP4 (latent transforming growth factor beta binding protein 4; plus strand). Cytogenetic location: 19q13.2.
Variant type: single nucleotide variant.
Coding change: c.4461C>T on transcript NM_001042545.2 (MANE Select); coding-DNA position 4461, C replaced by T.
Protein change: p.Gly1487=; no amino-acid change (glycine 1487 retained).
Molecular consequence: synonymous variant.
Genome position (GRCh38, 1-based): chr19:40,627,799, C>T. VCF-style: chr19-40627799-C-T. GRCh37 (hg19) VCF-style: chr19-41133704-C-T.
Other names: c.4662C>T, p.Gly1554= (NM_001042544.1); c.4551C>T, p.Gly1517= (NM_003573.2).
Identifiers: ClinVar variation 1213040 (VCV001213040.25), dbSNP rs568829084, ClinGen allele CA9449330.